The following is an entry in ClinVar:

ClinVar aggregate classification (germline): Likely benign (1 of 4 stars; one submission).

Submission:

CeGaT Center for Human Genetics Tuebingen
Classification: Likely benign. Last evaluated: 2024-09-01. Review status: criteria provided, single submitter. Criteria: CeGaT Center For Human Genetics Tuebingen Variant Classification Criteria Version 2. Collection method: clinical testing. Allele origin: germline. Affected: yes. Observed: 2 variant alleles.
Comment: ODC1: BP4

NM_002539.3(ODC1):c.1045A>C (p.Lys349Gln)

Gene: ODC1 (ornithine decarboxylase 1; minus strand). Cytogenetic location: 2p25.1.
Variant type: single nucleotide variant.
Coding change: c.1045A>C on transcript NM_002539.3 (MANE Select); coding-DNA position 1045, A replaced by C.
Protein change: p.Lys349Gln; replaces lysine 349 with glutamine.
Molecular consequence: missense variant.
Genome position (GRCh38, 1-based): chr2:10,441,705, T>G on the plus strand (A>C on the coding strand, the complement: ODC1 is on the minus strand). VCF-style: chr2-10441705-T-G. GRCh37 (hg19) VCF-style: chr2-10581831-T-G.
Other names: c.658A>C, p.Lys220Gln (NM_001287188.2); c.1045A>C, p.Lys349Gln (NM_001287189.2, NM_001287190.2); short protein forms K220Q, K349Q.
Identifiers: ClinVar variation 3341612 (VCV003341612.16).